The following is an entry in ClinVar:

NM_001232.4(CASQ2):c.172G>A (p.Glu58Lys)

Gene: CASQ2 (calsequestrin 2; minus strand). Cytogenetic location: 1p13.1.
Variant type: single nucleotide variant.
Coding change: c.172G>A on transcript NM_001232.4 (MANE Select); coding-DNA position 172, G replaced by A.
Protein change: p.Glu58Lys; replaces glutamic acid 58 with lysine.
Molecular consequence: missense variant.
Genome position (GRCh38, 1-based): chr1:115,768,370, C>T on the plus strand (G>A on the coding strand, the complement: CASQ2 is on the minus strand). VCF-style: chr1-115768370-C-T. GRCh37 (hg19) VCF-style: chr1-116310991-C-T.
Other names: c.172G>A (NM_001232.3); short protein forms E58K.
Identifiers: ClinVar variation 1449647 (VCV001449647.6), dbSNP rs376824588, ClinGen allele CA29625150.

ClinVar aggregate classification (germline): Uncertain significance. Review status: criteria provided, multiple submitters, no conflicts (2 of 4 stars). 3 submissions from 3 submitters: Uncertain significance (3). Last evaluated 2024-11-10.

Conditions:
Catecholaminergic polymorphic ventricular tachycardia 2. Also called: CASQ2-Related Catecholaminergic Polymorphic Ventricular Tachycardia; VENTRICULAR TACHYCARDIA, STRESS-INDUCED POLYMORPHIC 2. Identifiers: Orphanet 3286, MedGen C2677794, MONDO:0012762, OMIM 611938.
Catecholaminergic polymorphic ventricular tachycardia 1. Also called: VENTRICULAR TACHYCARDIA, STRESS-INDUCED POLYMORPHIC 1; VENTRICULAR TACHYCARDIA, CATECHOLAMINERGIC POLYMORPHIC, 1, WITH OR WITHOUT ATRIAL DYSFUNCTION AND/OR DILATED CARDIOMYOPATHY; RYR2-Related Catecholaminergic Polymorphic Ventricular Tachycardia. Identifiers: Orphanet 3286, MedGen C1631597, MONDO:0011484, OMIM 604772.
Cardiovascular phenotype. Identifiers: MedGen CN230736.

Allele frequency attached by ClinVar (database versions not stated): gnomAD exomes below 0.00001 and 0.00001; gnomAD 0.00001; TOPMed 0.00001; ESP Exome Variant Server 0.00008.
gnomAD v4.1: 23 of 1,613,962 alleles (0.0014%); highest among the groups gnomAD compares: African/African-American, 0.0027%; no homozygotes.

Submissions (3):

Ambry Genetics
Classification: Uncertain significance for Cardiovascular phenotype. Last evaluated: 2024-11-10. Review status: criteria provided, single submitter. Criteria: Ambry Variant Classification Scheme 2023. Collection method: clinical testing. Allele origin: germline.
Comment: The p.E58K variant (also known as c.172G>A), located in coding exon 1 of the CASQ2 gene, results from a G to A substitution at nucleotide position 172. The glutamic acid at codon 58 is replaced by lysine, an amino acid with similar properties. This amino acid position is conserved. In addition, this alteration is predicted to be tolerated by in silico analysis. Based on the available evidence, the clinical significance of this variant remains unclear.

Clinical Genomics Laboratory, Stanford Medicine
Classification: Uncertain significance for Catecholaminergic polymorphic ventricular tachycardia 2. Last evaluated: 2023-07-18. Review status: criteria provided, single submitter. Criteria: ACMG Guidelines, 2015. Collection method: clinical testing. Allele origin: germline. Observed: 1 variant allele, 1 heterozygote.
Comment: The p.Glu58Lys variant in the CASQ2 gene has not been previously reported in association with disease.This variant has been identified in 1/113,640 European non-Finnish chromosomes (1/251,356 chromosomes overall) by the Genome Aggregation Database. This variant is present in ClinVar (Variation ID: 1449647). The glutamic acid at position 58 is evolutionarily conserved. Computational tools predict that the p.Glu58Lys variant is neither deleterious nor benign; however, the accuracy of in silico algorithms is limited.These data were assessed using the ACMG/AMP variant interpretation guidelines. In summary, the significance of the p.Glu58Lys variant is uncertain. Additional information is needed to resolve the significance of this variant. [ACMG evidence codes used: PM2]

Labcorp Genetics (formerly Invitae), Labcorp
Classification: Uncertain significance for Catecholaminergic polymorphic ventricular tachycardia 1. Last evaluated: 2022-07-12. Review status: criteria provided, single submitter. Criteria: Invitae Variant Classification Sherloc (09022015). Collection method: clinical testing. Allele origin: germline.
Comment: This sequence change replaces glutamic acid, which is acidic and polar, with lysine, which is basic and polar, at codon 58 of the CASQ2 protein (p.Glu58Lys). This variant is present in population databases (rs376824588, gnomAD 0.0009%). This variant has not been reported in the literature in individuals affected with CASQ2-related conditions. ClinVar contains an entry for this variant (Variation ID: 1449647). Algorithms developed to predict the effect of missense changes on protein structure and function (SIFT, PolyPhen-2, Align-GVGD) all suggest that this variant is likely to be tolerated. In summary, the available evidence is currently insufficient to determine the role of this variant in disease. Therefore, it has been classified as a Variant of Uncertain Significance.